The following is an entry in ClinVar:

NM_018139.3(DNAAF2):c.2429A>G (p.Gln810Arg)

Gene: DNAAF2 (dynein axonemal assembly factor 2; minus strand). Cytogenetic location: 14q21.3.
Variant type: single nucleotide variant.
Coding change: c.2429A>G on transcript NM_018139.3 (MANE Select); coding-DNA position 2429, A replaced by G.
Protein change: p.Gln810Arg; replaces glutamine 810 with arginine.
Molecular consequence: missense variant.
Genome position (GRCh38, 1-based): chr14:49,625,627, T>C on the plus strand (A>G on the coding strand, the complement: DNAAF2 is on the minus strand). VCF-style: chr14-49625627-T-C. GRCh37 (hg19) VCF-style: chr14-50092345-T-C.
Other names: c.2285A>G, p.Gln762Arg (NM_001083908.2); c.218A>G, p.Gln73Arg (NM_001378453.1); short protein forms Q810R, Q762R, Q73R.
Identifiers: ClinVar variation 579614 (VCV000579614.8), dbSNP rs780416166, ClinGen allele CA7172701.

ClinVar aggregate classification (germline): Uncertain significance (1 of 4 stars; one submission).

Conditions:
Primary ciliary dyskinesia. Also called: Ciliary dyskinesia. Identifiers: Orphanet 244, MedGen C0008780, MONDO:0016575, HP:0012265.

Allele frequency attached by ClinVar (database versions not stated): gnomAD exomes below 0.00001 and 0.00001; TOPMed below 0.00001; gnomAD 0.00001; ExAC 0.00002.
gnomAD v4.1: 5 of 1,613,614 alleles (0.00031%); highest among the groups gnomAD compares: African/African-American, 0.0027%; no homozygotes.

Submission:

Labcorp Genetics (formerly Invitae), Labcorp
Classification: Uncertain significance for Primary ciliary dyskinesia. Last evaluated: 2018-02-14. Review status: criteria provided, single submitter. Criteria: Invitae Variant Classification Sherloc (09022015). Collection method: clinical testing. Allele origin: germline.
Comment: In summary, the available evidence is currently insufficient to determine the role of this variant in disease. Therefore, it has been classified as a Variant of Uncertain Significance. Algorithms developed to predict the effect of missense changes on protein structure and function (SIFT, PolyPhen-2, Align-GVGD) all suggest that this variant is likely to be tolerated, but these predictions have not been confirmed by published functional studies and their clinical significance is uncertain. This variant has not been reported in the literature in individuals with DNAAF2-related disease. This variant is present in population databases (rs780416166, ExAC 0.02%). This sequence change replaces glutamine with arginine at codon 810 of the DNAAF2 protein (p.Gln810Arg). The glutamine residue is moderately conserved and there is a small physicochemical difference between glutamine and arginine.